The following is an entry in ClinVar:

ClinVar aggregate classification (germline): Likely benign. Review status: criteria provided, multiple submitters, no conflicts (2 of 4 stars). 3 submissions from 3 submitters: Likely benign (2). 1 of the submissions does not count toward it. Last evaluated 2026-01-03.

Conditions:
COLEC11-related disorder. Also called: COLEC11-related condition.

Submissions (3):

Labcorp Genetics (formerly Invitae), Labcorp
Classification: Likely benign. Last evaluated: 2026-01-03. Review status: criteria provided, single submitter. Criteria: Invitae Variant Classification Sherloc (09022015). Collection method: clinical testing. Allele origin: germline.

Blueprint Genetics
Classification: Likely benign. Last evaluated: 2024-10-14. Review status: criteria provided, single submitter. Criteria: ACMG Guidelines, 2015. Collection method: clinical testing. Allele origin: germline.

PreventionGenetics, part of Exact Sciences
Classification: Likely benign for COLEC11-related condition. Last evaluated: 2024-03-29. Review status: no assertion criteria provided. Collection method: clinical testing. Allele origin: germline. Not counted in ClinVar's aggregate classification.
Comment: This variant is classified as likely benign based on ACMG/AMP sequence variant interpretation guidelines (Richards et al. 2015 PMID: 25741868, with internal and published modifications).

NM_024027.5(COLEC11):c.329-6_329-5dup

Gene: COLEC11 (collectin subfamily member 11; plus strand). Cytogenetic location: 2p25.3.
Variant type: Duplication.
Coding change: c.329-6_329-5dup on transcript NM_024027.5 (MANE Select); 6 bases into the intron before coding-DNA position 329 through 5 bases into the intron before coding-DNA position 329, 2 bases duplicated (CC; older notation c.329-6_329-5dupCC).
Molecular consequence: intron variant.
Genome position (GRCh38, 1-based): chr2:3,643,438-3,643,439, CC duplicated; duplicating any 2 consecutive bases within chr2:3,643,435-3,643,439 gives the same sequence; the c. name uses the placement nearest the transcript's 3' end. VCF-style (leftmost placement, unchanged base first): chr2-3643434-G-GCC. GRCh37 (hg19) VCF-style: chr2-3691024-G-GCC.
Other names: c.320-6_320-5dup (NM_199235.3); c.257-6_257-5dup (NM_001255983.2, NM_001255982.2); c.185-6_185-5dup (NM_001255984.2); c.371-6_371-5dup (NM_001255985.1); c.251-6_251-5dup (NM_001255986.1); c.179-6_179-5dup (NM_001255988.1, NM_001255987.1); c.107-6_107-5dup (NM_001255989.1).
Identifiers: ClinVar variation 711324 (VCV000711324.11), dbSNP rs569221063, ClinGen allele CA1517016.